The following is an entry in ClinVar:

ClinVar aggregate classification (germline): Likely benign (0 of 4 stars; one submission).

Conditions:
SEMA3F-related disorder. Also called: SEMA3F-related condition.

gnomAD v4.1: 3 of 1,614,012 alleles (0.00019%); highest among the groups gnomAD compares: Non-Finnish European, 0.00025%; no homozygotes.

Submission:

PreventionGenetics, part of Exact Sciences
Classification: Likely benign for SEMA3F-related condition. Last evaluated: 2021-07-01. Review status: no assertion criteria provided. Collection method: clinical testing. Allele origin: germline.
Comment: This variant is classified as likely benign based on ACMG/AMP sequence variant interpretation guidelines (Richards et al. 2015 PMID: 25741868, with internal and published modifications).

NM_004186.5(SEMA3F):c.138C>T (p.His46=)

Gene: SEMA3F (semaphorin 3F; plus strand). Cytogenetic location: 3p21.31.
Variant type: single nucleotide variant.
Coding change: c.138C>T on transcript NM_004186.5 (MANE Select); coding-DNA position 138, C replaced by T.
Protein change: p.His46=; no amino-acid change (histidine 46 retained).
Molecular consequence: synonymous variant. On other transcripts: 5 prime UTR variant (1).
Genome position (GRCh38, 1-based): chr3:50,173,818, C>T. VCF-style: chr3-50173818-C-T. GRCh37 (hg19) VCF-style: chr3-50211251-C-T.
Other names: c.-67C>T (NM_001318798.2); c.138C>T, p.His46= (NM_001318800.2).
Identifiers: ClinVar variation 3350572 (VCV003350572.1).